The following is an entry in ClinVar:

NM_015443.4(KANSL1):c.2110T>C (p.Ser704Pro)

Gene: KANSL1 (KAT8 regulatory NSL complex subunit 1). Cytogenetic location: 17q21.31.
Variant type: single nucleotide variant.
Coding change: c.2110T>C on transcript NM_015443.4 (MANE Select); coding-DNA position 2110, T replaced by C.
Protein change: p.Ser704Pro; replaces serine 704 with proline.
Molecular consequence: missense variant.
Genome position (GRCh38, 1-based): chr17:46,039,795, A>G on the plus strand (T>C on the coding strand, the complement: KANSL1 is on the minus strand). VCF-style: chr17-46039795-A-G. GRCh37 (hg19) VCF-style: chr17-44117161-A-G.
Other names: p.S704P:TCG>CCG; c.2110T>C, p.Ser704Pro (NM_001193465.2, NM_001193466.2, NM_001379198.1); short protein forms S704P.
Identifiers: ClinVar variation 205740 (VCV000205740.15), dbSNP rs202231419, ClinGen allele CA315109.

ClinVar aggregate classification (germline): Conflicting classifications of pathogenicity. Review status: criteria provided, conflicting classifications (1 of 4 stars). 5 submissions from 5 submitters: Uncertain significance (1); Benign (2); Likely benign (1). 1 of the submissions does not count toward it. Last evaluated 2025-12-30.

Conditions:
Inborn genetic diseases. Identifiers: MedGen C0950123, MeSH D030342.
Craniosynostosis syndrome. Also called: Craniosynostosis. Identifiers: Orphanet 1531, MedGen C0010278, MeSH D003398, MONDO:0015469, HP:0001363.
Koolen-de Vries syndrome (KDVS). Identifiers: Orphanet 96169, MedGen C1864871, MONDO:0012496, OMIM 610443.

Allele frequency attached by ClinVar (database versions not stated): gnomAD exomes 0.00006 and 0.00018; ExAC 0.00007; ESP Exome Variant Server 0.00008; TOPMed 0.00012; gnomAD 0.00014 and 0.00015; 1000 Genomes Project 0.00020; 1000 Genomes Project 30x 0.00031.
gnomAD v4.1: 285 of 1,614,216 alleles (0.018%); highest among the groups gnomAD compares: Non-Finnish European, 0.022%; no homozygotes.

Submissions (5):

Labcorp Genetics (formerly Invitae), Labcorp
Classification: Benign for Koolen-de Vries syndrome. Last evaluated: 2025-12-30. Review status: criteria provided, single submitter. Criteria: Invitae Variant Classification Sherloc (09022015). Collection method: clinical testing. Allele origin: germline.

Ambry Genetics
Classification: Uncertain significance for Inborn genetic diseases. Last evaluated: 2022-12-19. Review status: criteria provided, single submitter. Criteria: Ambry Variant Classification Scheme 2023. Collection method: clinical testing. Allele origin: germline.

Cambridge Genomics Laboratory, East Genomic Laboratory Hub, NHS Genomic Medicine Service
Classification: Benign for Craniosynostosis syndrome. Last evaluated: 2019-08-08. Review status: criteria provided, single submitter. Criteria: ACGS Best Practice Guidelines for Variant Classification in Rare Disease 2020. Collection method: clinical testing. Allele origin: germline. Affected: yes. Observed: 1 variant allele.

GeneDx
Classification: Likely benign. Last evaluated: 2019-05-17. Review status: criteria provided, single submitter. Criteria: GeneDx Variant Classification Process June 2021. Collection method: clinical testing. Allele origin: germline. Affected: yes.

Department of Pathology and Laboratory Medicine, Sinai Health System
Classification: Benign. Review status: no assertion criteria provided. Collection method: clinical testing. Allele origin: unknown. Affected: yes. Study: The Canadian Open Genetics Repository (COGR). Not counted in ClinVar's aggregate classification.
Comment: The KANSL1 p.Ser704Pro variant was not identified in the literature nor was it identified in LOVD 3.0. The variant was identified in dbSNP (ID: rs202231419) and ClinVar (classified as likely benign by GeneDx). The variant was identified in control databases in 20 of 282896 chromosomes at a frequency of 0.0000707 (Genome Aggregation Database March 6, 2019, v2.1.1). The variant was observed in the following populations: Other in 1 of 7226 chromosomes (freq: 0.000138), African in 3 of 24968 chromosomes (freq: 0.00012), European (non-Finnish) in 15 of 129198 chromosomes (freq: 0.000116) and Latino in 1 of 35440 chromosomes (freq: 0.000028), but was not observed in the Ashkenazi Jewish, East Asian, European (Finnish), or South Asian populations. This frequency in control populations is inconsistent with what is expected for the rare, early-onset Koolen-de Vries syndrome caused by pathogenic KANSL1 variants. The p.Ser704 residue is conserved in mammals and computational analyses (PolyPhen-2, SIFT, AlignGVGD, BLOSUM, MutationTaster) provide inconsistent predictions regarding the impact to the protein; this information is not very predictive of pathogenicity. The variant occurs outside of the splicing consensus sequence and in silico or computational prediction software programs (SpliceSiteFinder, MaxEntScan, NNSPLICE, GeneSplicer) do not predict a difference in splicing. In summary, based on the above information this variant meets our laboratory's criteria to be classified as benign.